The following is an entry in ClinVar:

NM_005057.4(RBBP5):c.438G>A (p.Pro146=)

Gene: RBBP5 (RB binding protein 5, histone lysine methyltransferase complex subunit; minus strand). Cytogenetic location: 1q32.1.
Variant type: single nucleotide variant.
Coding change: c.438G>A on transcript NM_005057.4 (MANE Select); coding-DNA position 438, G replaced by A.
Protein change: p.Pro146=; no amino-acid change (proline 146 retained).
Molecular consequence: synonymous variant.
Genome position (GRCh38, 1-based): chr1:205,103,941, C>T on the plus strand (G>A on the coding strand, the complement: RBBP5 is on the minus strand). VCF-style: chr1-205103941-C-T. GRCh37 (hg19) VCF-style: chr1-205073069-C-T.
Other names: c.438G>A, p.Pro146= (NM_001193272.2); c.57G>A, p.Pro19= (NM_001193273.2).
Identifiers: ClinVar variation 719895 (VCV000719895.8), dbSNP rs17854844, ClinGen allele CA1352345.

ClinVar aggregate classification (germline): Benign/Likely benign. Review status: criteria provided, multiple submitters, no conflicts (2 of 4 stars). 3 submissions from 3 submitters: Benign (2); Likely benign (1). Last evaluated 2026-09-01.

Allele frequency attached by ClinVar (database versions not stated): TOPMed 0.00509; ExAC 0.00244; gnomAD exomes 0.00266 and 0.00345; 1000 Genomes Project 0.00319; 1000 Genomes Project 30x 0.00328; gnomAD 0.00341 and 0.00365; ESP Exome Variant Server 0.00361.
gnomAD v4.1: 5,575 of 1,614,084 alleles (0.35%); highest among the groups gnomAD compares: Admixed American, 0.75%; 18 homozygotes.

Submissions (3):

CeGaT Center for Human Genetics Tuebingen
Classification: Likely benign. Last evaluated: 2026-09-01. Review status: criteria provided, single submitter. Criteria: CeGaT Center For Human Genetics Tuebingen Variant Classification Criteria Version 2. Collection method: clinical testing. Allele origin: germline. Affected: yes. Observed: 4 variant alleles.
Comment: RBBP5: BP4, BP7, BS2

Labcorp Genetics (formerly Invitae), Labcorp
Classification: Benign. Last evaluated: 2018-06-06. Review status: criteria provided, single submitter. Criteria: Invitae Variant Classification Sherloc (09022015). Collection method: clinical testing. Allele origin: germline.

Breakthrough Genomics
Classification: Benign. Review status: criteria provided, single submitter. Criteria: ACMG Guidelines, 2015. Collection method: not provided. Allele origin: germline. Inheritance: Unknown mechanism. Affected: yes.